The following is an entry in ClinVar:

ClinVar aggregate classification (germline): Uncertain significance. Review status: criteria provided, multiple submitters, no conflicts (2 of 4 stars). 2 submissions from 2 submitters: Uncertain significance (2). Last evaluated 2025-03-09.

Conditions:
Schaaf-Yang syndrome (SHFYNG). Also called: Arthrogryposis, distal, with hypopituitarism, intellectual disability, and facial anomalies; MAGEL2-related Prader-Willi-like syndrome. Identifiers: Orphanet 398069, MedGen C5575066, MONDO:0014243, OMIM 615547.
MAGEL2-related disorder. Also called: MAGEL2-related condition.

Allele frequency attached by ClinVar (database versions not stated): gnomAD exomes 0.00001; ExAC 0.00002.
gnomAD v4.1: 15 of 1,613,932 alleles (0.00093%); highest among the groups gnomAD compares: Admixed American, 0.0017%; no homozygotes.

Submissions (2):

PreventionGenetics, part of Exact Sciences
Classification: Uncertain significance for MAGEL2-related condition. Last evaluated: 2025-03-09. Review status: criteria provided, single submitter. Criteria: ACMG Guidelines, 2015. Collection method: clinical testing. Allele origin: germline.
Comment: The MAGEL2 c.2745G>T variant is predicted to result in the amino acid substitution p.Glu915Asp. To our knowledge, this variant has not been reported in the literature. This variant is reported in 0.0035% of alleles in individuals of European (Non-Finnish) descent in gnomAD. At this time, the clinical significance of this variant is uncertain due to the absence of conclusive functional and genetic evidence.

Revvity Omics, Revvity
Classification: Uncertain significance for Schaaf-Yang syndrome. Last evaluated: 2019-01-09. Review status: criteria provided, single submitter. Criteria: ACMG Guidelines, 2015. Collection method: clinical testing. Allele origin: germline.

NM_019066.5(MAGEL2):c.2745G>T (p.Glu915Asp)

Gene: MAGEL2 (MAGE family member L2; minus strand). Cytogenetic location: 15q11.2.
Variant type: single nucleotide variant.
Coding change: c.2745G>T on transcript NM_019066.5 (MANE Select); coding-DNA position 2745, G replaced by T.
Protein change: p.Glu915Asp; replaces glutamic acid 915 with aspartic acid.
Molecular consequence: missense variant.
Genome position (GRCh38, 1-based): chr15:23,644,998, C>A on the plus strand (G>T on the coding strand, the complement: MAGEL2 is on the minus strand). VCF-style: chr15-23644998-C-A. GRCh37 (hg19) VCF-style: chr15-23890145-C-A.
Other names: short protein forms E915D.
Identifiers: ClinVar variation 2433616 (VCV002433616.6), dbSNP rs781054761, ClinGen allele CA7429826.